The following is an entry in ClinVar:

NM_001277313.2(FMN1):c.2223+4T>A

Gene: FMN1 (formin 1; minus strand). Cytogenetic location: 15q13.3.
Variant type: single nucleotide variant.
Coding change: c.2223+4T>A on transcript NM_001277313.2 (MANE Select); 4 bases into the intron after coding-DNA position 2223, T replaced by A.
Molecular consequence: intron variant.
Genome position (GRCh38, 1-based): chr15:33,008,010, A>T on the plus strand (T>A on the coding strand, the complement: FMN1 is on the minus strand). VCF-style: chr15-33008010-A-T. GRCh37 (hg19) VCF-style: chr15-33300211-A-T.
Other names: c.1554+4T>A (NM_001103184.4).
Identifiers: ClinVar variation 2645130 (VCV002645130.27), dbSNP rs200129808, ClinGen allele CA7457023.

ClinVar aggregate classification (germline): Conflicting classifications of pathogenicity. Review status: criteria provided, conflicting classifications (1 of 4 stars). 2 submissions from 2 submitters: Uncertain significance (1); Likely benign (1). Last evaluated 2023-11-18.

Allele frequency attached by ClinVar (database versions not stated): gnomAD 0.00019; TOPMed 0.00028; ExAC 0.00030; gnomAD exomes 0.00037; ESP Exome Variant Server 0.00042.
gnomAD v4.1: 567 of 1,597,844 alleles (0.035%); highest among the groups gnomAD compares: Non-Finnish European, 0.046%; 1 homozygote.

Submissions (2):

Labcorp Genetics (formerly Invitae), Labcorp
Classification: Uncertain significance. Last evaluated: 2023-11-18. Review status: criteria provided, single submitter. Criteria: Invitae Variant Classification Sherloc (09022015). Collection method: clinical testing. Allele origin: germline.
Comment: This sequence change falls in intron 3 of the FMN1 gene. It does not directly change the encoded amino acid sequence of the FMN1 protein. It affects a nucleotide within the consensus splice site. This variant is present in population databases (rs200129808, gnomAD 0.03%). This variant has not been reported in the literature in individuals affected with FMN1-related conditions. Variants that disrupt the consensus splice site are a relatively common cause of aberrant splicing (PMID: 17576681, 9536098). Algorithms developed to predict the effect of sequence changes on RNA splicing suggest that this variant is not likely to affect RNA splicing. In summary, the available evidence is currently insufficient to determine the role of this variant in disease. Therefore, it has been classified as a Variant of Uncertain Significance.

CeGaT Center for Human Genetics Tuebingen
Classification: Likely benign. Last evaluated: 2022-09-01. Review status: criteria provided, single submitter. Criteria: CeGaT Center For Human Genetics Tuebingen Variant Classification Criteria Version 2. Collection method: clinical testing. Allele origin: germline. Affected: yes. Observed: 1 variant allele.
Comment: FMN1: BP4

Literature cited by the submitters: PubMed 17576681 (cited by Labcorp Genetics (formerly Invitae), Labcorp); PubMed 9536098 (cited by Labcorp Genetics (formerly Invitae), Labcorp).